The following is an entry in ClinVar:

ClinVar aggregate classification (germline): Uncertain significance (1 of 4 stars; one submission).

Submission:

Ambry Genetics
Classification: Uncertain significance. Last evaluated: 2025-05-05. Review status: criteria provided, single submitter. Criteria: Ambry Variant Classification Scheme 2023. Collection method: clinical testing. Allele origin: germline.
Comment: The p.R99H variant (also known as c.296G>A), located in coding exon 1 of the EGLN1 gene, results from a G to A substitution at nucleotide position 296. The arginine at codon 99 is replaced by histidine, an amino acid with highly similar properties. This amino acid position is conserved. In addition, this alteration is predicted to be tolerated by in silico analysis. The evidence for this gene-disease relationship is limited; therefore, the clinical significance of this alteration is unclear.

NM_022051.3(EGLN1):c.296G>A (p.Arg99His)

Gene: EGLN1 (egl-9 family hypoxia inducible factor 1; minus strand). Cytogenetic location: 1q42.2.
Variant type: single nucleotide variant.
Coding change: c.296G>A on transcript NM_022051.3 (MANE Select); coding-DNA position 296, G replaced by A.
Protein change: p.Arg99His; replaces arginine 99 with histidine.
Molecular consequence: missense variant.
Genome position (GRCh38, 1-based): chr1:231,421,593, C>T on the plus strand (G>A on the coding strand, the complement: EGLN1 is on the minus strand). VCF-style: chr1-231421593-C-T. GRCh37 (hg19) VCF-style: chr1-231557339-C-T.
Other names: c.296G>A, p.Arg99His (NM_001377260.1, NM_001377261.1); short protein forms R99H.
Identifiers: ClinVar variation 2565131 (VCV002565131.3), dbSNP rs2527360841, ClinGen allele CA345237890.